The following is an entry in ClinVar:

NM_030787.4(CFHR5):c.429T>C (p.Thr143=)

Gene: CFHR5 (complement factor H related 5; plus strand). Cytogenetic location: 1q31.3.
Variant type: single nucleotide variant.
Coding change: c.429T>C on transcript NM_030787.4 (MANE Select); coding-DNA position 429, T replaced by C.
Protein change: p.Thr143=; no amino-acid change (threonine 143 retained).
Molecular consequence: synonymous variant.
Genome position (GRCh38, 1-based): chr1:196,984,136, T>C. VCF-style: chr1-196984136-T-C. GRCh37 (hg19) VCF-style: chr1-196953266-T-C.
Other names: p.Thr143=.
Identifiers: ClinVar variation 294539 (VCV000294539.28), dbSNP rs140215003, ClinGen allele CA1307731.
Genomic context (GRCh38, chr1:196,984,136, plus strand): 5'-TGAGAAAAACATTTCGTGTGTAGAACGGGGCTGGTCCACTCCTCCCATATGCAGCTTCAC[T>C]AGTAAGCAAAATACCACTCTCTCAGTTTTGCTAATTATTTAAAGAAATAAATCTATAGTT-3'
Protein context (NP_110414.1, residues 133-153): GWSTPPICSF[Thr143=]KGECHVPILE

ClinVar aggregate classification (germline): Benign/Likely benign. Review status: criteria provided, multiple submitters, no conflicts (2 of 4 stars). 11 submissions from 11 submitters: Benign (6); Likely benign (2). 3 of the submissions do not count toward it. Last evaluated 2026-01-26.

Conditions:
CFH-Related Dense Deposit Disease / Membranoproliferative Glomerulonephritis Type II. Identifiers: MedGen CN071292.
CFHR5 deficiency. Identifiers: MedGen C3553720.
Kidney disorder. Also called: renal disease; renal disorder; Kidney disease; Kidney Diseases; Nephropathy. Identifiers: MedGen C0022658, MONDO:0005240, HP:0000112.

Allele frequency attached by ClinVar (database versions not stated): gnomAD exomes 0.00070 and 0.00183; ExAC 0.00217; 1000 Genomes Project 0.00579; 1000 Genomes Project 30x 0.00593; gnomAD 0.00608 and 0.00665; TOPMed 0.00688; ESP Exome Variant Server 0.00777.
gnomAD v4.1: 2,027 of 1,612,482 alleles (0.13%); highest among the groups gnomAD compares: African/African-American, 2.2%; 20 homozygotes.

Submissions (11):

Labcorp Genetics (formerly Invitae), Labcorp
Classification: Benign. Last evaluated: 2026-01-26. Review status: criteria provided, single submitter. Criteria: Invitae Variant Classification Sherloc (09022015). Collection method: clinical testing. Allele origin: germline.

Mayo Clinic Laboratories, Mayo Clinic
Classification: Likely benign. Last evaluated: 2025-02-24. Review status: criteria provided, single submitter. Criteria: ACMG Guidelines, 2015. Collection method: clinical testing. Allele origin: germline. Observed: 39 variant alleles.
Comment: BP4, BP7

Genome-Nilou Lab
Classification: Benign for C3 glomerulonephritis. Last evaluated: 2023-04-11. Review status: criteria provided, single submitter. Criteria: ACMG Guidelines, 2015. Collection method: clinical testing. Allele origin: germline. Affected: no.

Fulgent Genetics
Classification: Benign for C3 glomerulonephritis. Last evaluated: 2021-07-09. Review status: criteria provided, single submitter. Criteria: ACMG Guidelines, 2015. Collection method: clinical testing. Allele origin: unknown.

Genetic Services Laboratory, University of Chicago
Classification: Benign. Last evaluated: 2018-10-30. Review status: criteria provided, single submitter. Criteria: ACMG Guidelines, 2015. Collection method: clinical testing. Allele origin: germline. Affected: no.

Genome Diagnostics Laboratory, The Hospital for Sick Children
Classification: Likely benign for Kidney disorder. Last evaluated: 2018-02-01. Review status: criteria provided, single submitter. Criteria: ACMG Guidelines, 2015. Collection method: clinical testing. Allele origin: germline.

Illumina Laboratory Services, Illumina
Classification: Benign for Membranoproliferative glomerulonephritis with complement factor h deficiency. Last evaluated: 2018-01-13. Review status: criteria provided, single submitter. Criteria: ICSL Variant Classification Criteria 13 December 2019. Collection method: clinical testing. Allele origin: germline.
Comment: This variant was observed in the ICSL laboratory as part of a predisposition screen in an ostensibly healthy population. It had not been previously curated by ICSL or reported in the Human Gene Mutation Database (HGMD: prior to June 1st, 2018), and was therefore a candidate for classification through an automated scoring system. Utilizing variant allele frequency, disease prevalence and penetrance estimates, and inheritance mode, an automated score was calculated to assess if this variant is too frequent to cause the disease. Based on the score and internal cut-off values, a variant classified as benign is not then subjected to further curation. The score for this variant resulted in a classification of benign for this disease.

Breakthrough Genomics
Classification: Benign. Review status: criteria provided, single submitter. Criteria: ACMG Guidelines, 2015. Collection method: not provided. Allele origin: germline. Inheritance: Autosomal dominant inheritance. Affected: yes.

Clinical Genetics DNA and cytogenetics Diagnostics Lab, Erasmus MC, Erasmus Medical Center
Classification: Benign. Review status: no assertion criteria provided. Collection method: clinical testing. Allele origin: germline. Affected: yes. Study: VKGL Data-share Consensus. Not counted in ClinVar's aggregate classification.

Genome Diagnostics Laboratory, University Medical Center Utrecht
Classification: Likely benign. Review status: no assertion criteria provided. Collection method: clinical testing. Allele origin: germline. Affected: yes. Study: VKGL Data-share Consensus. Not counted in ClinVar's aggregate classification.

Joint Genome Diagnostic Labs from Nijmegen and Maastricht, Radboudumc and MUMC+
Classification: Likely benign. Review status: no assertion criteria provided. Collection method: clinical testing. Allele origin: germline. Affected: yes. Study: VKGL Data-share Consensus. Not counted in ClinVar's aggregate classification.